The following is an entry in ClinVar:

ClinVar aggregate classification (germline): Uncertain significance (1 of 4 stars; one submission).

Conditions:
Encephalopathy, acute, infection-induced (herpes-specific), susceptibility to, 1. Also called: Herpes simplex encephalitis, susceptibility to, 1. Identifiers: Orphanet 1930, MedGen C2750180, MONDO:0024563, OMIM 610551.

Allele frequency attached by ClinVar (database versions not stated): ExAC 0.00034; gnomAD exomes 0.00003.
gnomAD v4.1: 9 of 1,497,200 alleles (0.0006%); highest among the groups gnomAD compares: South Asian, 0.01%; no homozygotes.

Submission:

Labcorp Genetics (formerly Invitae), Labcorp
Classification: Uncertain significance for Encephalopathy, acute, infection-induced (herpes-specific), susceptibility to, 1. Last evaluated: 2020-01-26. Review status: criteria provided, single submitter. Criteria: Invitae Variant Classification Sherloc (09022015). Collection method: clinical testing. Allele origin: germline.
Comment: This sequence change replaces arginine with leucine at codon 581 of the UNC93B1 protein (p.Arg581Leu). The arginine residue is weakly conserved and there is a moderate physicochemical difference between arginine and leucine. While this variant is present in population databases (rs754871549), the frequency information is unreliable, as metrics indicate poor data quality at this position in the ExAC database. This variant has not been reported in the literature in individuals with UNC93B1-related conditions. Experimental studies and prediction algorithms are not available or were not evaluated, and the functional significance of this variant is currently unknown. In summary, the available evidence is currently insufficient to determine the role of this variant in disease. Therefore, it has been classified as a Variant of Uncertain Significance.

NM_030930.4(UNC93B1):c.1742G>T (p.Arg581Leu)

Gene: UNC93B1 (unc-93B1 regulator of TLR signaling; minus strand). Cytogenetic location: 11q13.2.
Variant type: single nucleotide variant.
Coding change: c.1742G>T on transcript NM_030930.4 (MANE Select); coding-DNA position 1742, G replaced by T.
Protein change: p.Arg581Leu; replaces arginine 581 with leucine.
Molecular consequence: missense variant.
Genome position (GRCh38, 1-based): chr11:67,991,598, C>A on the plus strand (G>T on the coding strand, the complement: UNC93B1 is on the minus strand). VCF-style: chr11-67991598-C-A. GRCh37 (hg19) VCF-style: chr11-67759069-C-A.
Other names: short protein forms R581L.
Identifiers: ClinVar variation 1036399 (VCV001036399.7), dbSNP rs754871549, ClinGen allele CA6145338.